The following is an entry in ClinVar:

ClinVar aggregate classification (germline): Uncertain significance (1 of 4 stars; one submission).

Conditions:
Hypertrophic cardiomyopathy. Also called: HYPERTROPHIC MYOCARDIOPATHY. Identifiers: Orphanet 217569, MedGen C0007194, MeSH D002312, MONDO:0005045, HP:0001639.

Submission:

All of Us Research Program, National Institutes of Health
Classification: Uncertain significance for Hypertrophic cardiomyopathy. Last evaluated: 2023-11-30. Review status: criteria provided, single submitter. Criteria: ACMG Guidelines, 2015. Collection method: clinical testing. Allele origin: germline. Inheritance: Autosomal dominant inheritance. Observed: 1 variant allele, 1 heterozygote.
Comment: This study involves interpretation of variants in research participants for the purpose of population health screening. Participant phenotype was not available at the time of variant classification. Additional details can be found in publication PMID: 35346344, PMCID: PMC8962531

NM_016203.4(PRKAG2):c.892G>A (p.Ala298Thr)

Gene: PRKAG2 (protein kinase AMP-activated non-catalytic subunit gamma 2; minus strand). Cytogenetic location: 7q36.1.
Variant type: single nucleotide variant.
Coding change: c.892G>A on transcript NM_016203.4 (MANE Select); coding-DNA position 892, G replaced by A.
Protein change: p.Ala298Thr; replaces alanine 298 with threonine.
Molecular consequence: missense variant.
Genome position (GRCh38, 1-based): chr7:151,576,425, C>T on the plus strand (G>A on the coding strand, the complement: PRKAG2 is on the minus strand). VCF-style: chr7-151576425-C-T. GRCh37 (hg19) VCF-style: chr7-151273511-C-T.
Other names: c.166G>A, p.Ala56Thr (NM_001407040.1, NM_001407039.1, NM_001407036.1); c.169G>A, p.Ala57Thr (NM_024429.2, NM_001304531.2, NM_001407034.1 and 1 more transcripts); c.229G>A, p.Ala77Thr (NM_001407037.1); c.217G>A, p.Ala73Thr (NM_001407038.1); c.517G>A, p.Ala173Thr (NM_001304527.2, NM_001407029.1); c.520G>A, p.Ala174Thr (NM_001363698.2, NM_001407028.1); c.892G>A, p.Ala298Thr (NM_001407021.1); c.889G>A, p.Ala297Thr (NM_001407022.1, NM_001407023.1); and 6 more; short protein forms A173T, A174T, A190T, A192T, A201T, A202T, A253T, A254T.
Identifiers: ClinVar variation 3073924 (VCV003073924.1), dbSNP rs2536413690, ClinGen allele CA370072475.